The following is an entry in ClinVar:

NM_014339.7(IL17RA):c.1426G>A (p.Gly476Arg)

Gene: IL17RA (interleukin 17 receptor A; plus strand). Cytogenetic location: 22q11.1.
Variant type: single nucleotide variant.
Coding change: c.1426G>A on transcript NM_014339.7 (MANE Select); coding-DNA position 1426, G replaced by A.
Protein change: p.Gly476Arg; replaces glycine 476 with arginine.
Molecular consequence: missense variant.
Genome position (GRCh38, 1-based): chr22:17,108,645, G>A. VCF-style: chr22-17108645-G-A. GRCh37 (hg19) VCF-style: chr22-17589535-G-A.
Other names: c.1324G>A, p.Gly442Arg (NM_001289905.2); short protein forms G476R, G442R.
Identifiers: ClinVar variation 542919 (VCV000542919.7), dbSNP rs763589779, ClinGen allele CA10086752.
Genomic context (GRCh38, chr22:17,108,645, plus strand): 5'-CAGGCGCTCCTGGGCCGGGGGGCGCCTGTGCGGCTGCGCTGCGACCACGGAAAGCCCGTG[G>A]GGGACCTGTTCACTGCAGCCATGAACATGATCCTCCCGGACTTCAAGAGGCCAGCCTGCT-3'
Protein context (NP_055154.3, residues 466-486): RLRCDHGKPV[Gly476Arg]DLFTAAMNMI

ClinVar aggregate classification (germline): Uncertain significance (1 of 4 stars; one submission).

Conditions:
Immunodeficiency 51 (IMD51). Also called: CANDIDIASIS, FAMILIAL, 5. Identifiers: Orphanet 1334, MedGen C4310803, MONDO:0013500, OMIM 613953.

Allele frequency attached by ClinVar (database versions not stated): TOPMed below 0.00001; ExAC 0.00001; gnomAD 0.00001; gnomAD exomes 0.00001.

Submission:

Labcorp Genetics (formerly Invitae), Labcorp
Classification: Uncertain significance for Immunodeficiency 51. Last evaluated: 2025-07-30. Review status: criteria provided, single submitter. Criteria: Invitae Variant Classification Sherloc (09022015). Collection method: clinical testing. Allele origin: germline.
Comment: This sequence change replaces glycine, which is neutral and non-polar, with arginine, which is basic and polar, at codon 476 of the IL17RA protein (p.Gly476Arg). This variant is present in population databases (rs763589779, gnomAD 0.003%). This variant has not been reported in the literature in individuals affected with IL17RA-related conditions. ClinVar contains an entry for this variant (Variation ID: 542919). Invitae Evidence Modeling of protein sequence and biophysical properties (such as structural, functional, and spatial information, amino acid conservation, physicochemical variation, residue mobility, and thermodynamic stability) indicates that this missense variant is expected to disrupt IL17RA protein function with a positive predictive value of 80%. In summary, the available evidence is currently insufficient to determine the role of this variant in disease. Therefore, it has been classified as a Variant of Uncertain Significance.